The following is an entry in ClinVar:

ClinVar aggregate classification (germline): Uncertain significance (0 of 4 stars; one submission).

Conditions:
TENM4-related disorder. Also called: TENM4-related condition.

gnomAD v4.1: 10 of 1,613,928 alleles (0.00062%); highest among the groups gnomAD compares: African/African-American, 0.0027%; no homozygotes.

Submission:

PreventionGenetics, part of Exact Sciences
Classification: Uncertain significance for TENM4-related condition. Last evaluated: 2024-06-28. Review status: no assertion criteria provided. Collection method: clinical testing. Allele origin: germline.
Comment: The TENM4 c.8176C>T variant is predicted to result in premature protein termination (p.Gln2726*). To our knowledge, this variant has not been reported in the literature. This variant is reported in 0.00089% of alleles in individuals of European (Non-Finnish) descent in gnomAD. At this time, the clinical significance of this variant is uncertain due to the absence of conclusive functional and genetic evidence.

NM_001098816.3(TENM4):c.8176C>T (p.Gln2726Ter)

Gene: TENM4 (teneurin transmembrane protein 4; minus strand). Cytogenetic location: 11q14.1.
Variant type: single nucleotide variant.
Coding change: c.8176C>T on transcript NM_001098816.3 (MANE Select); coding-DNA position 8176, C replaced by T.
Protein change: p.Gln2726Ter; replaces glutamine 2726 with a stop codon.
Molecular consequence: nonsense.
Genome position (GRCh38, 1-based): chr11:78,658,192, G>A on the plus strand (C>T on the coding strand, the complement: TENM4 is on the minus strand). VCF-style: chr11-78658192-G-A. GRCh37 (hg19) VCF-style: chr11-78369237-G-A.
Other names: short protein forms Q2726*.
Identifiers: ClinVar variation 3357466 (VCV003357466.1).